The following is an entry in ClinVar:

ClinVar aggregate classification (germline): Uncertain significance. Review status: criteria provided, multiple submitters, no conflicts (2 of 4 stars). 3 submissions from 3 submitters: Uncertain significance (3). Last evaluated 2025-04-28.

Conditions:
TNS2-related disorder. Also called: TNS2-related condition.

Allele frequency attached by ClinVar (database versions not stated): TOPMed 0.00002; gnomAD 0.00003; ExAC 0.00013.
gnomAD v4.1: 51 of 1,473,596 alleles (0.0035%); highest among the groups gnomAD compares: South Asian, 0.014%; 1 homozygote.

Submissions (3):

Ambry Genetics
Classification: Uncertain significance. Last evaluated: 2025-04-28. Review status: criteria provided, single submitter. Criteria: Ambry Variant Classification Scheme 2023. Collection method: clinical testing. Allele origin: germline.

Labcorp Genetics (formerly Invitae), Labcorp
Classification: Uncertain significance. Last evaluated: 2024-11-13. Review status: criteria provided, single submitter. Criteria: Invitae Variant Classification Sherloc (09022015). Collection method: clinical testing. Allele origin: germline.
Comment: This sequence change replaces arginine, which is basic and polar, with histidine, which is basic and polar, at codon 600 of the TNS2 protein (p.Arg600His). The frequency data for this variant in the population databases is considered unreliable, as metrics indicate poor data quality at this position in the gnomAD database. This variant has not been reported in the literature in individuals affected with TNS2-related conditions. ClinVar contains an entry for this variant (Variation ID: 2634518). An algorithm developed to predict the effect of missense changes on protein structure and function (PolyPhen-2) suggests that this variant is likely to be disruptive. In summary, the available evidence is currently insufficient to determine the role of this variant in disease. Therefore, it has been classified as a Variant of Uncertain Significance.

PreventionGenetics, part of Exact Sciences
Classification: Uncertain significance for TNS2-related condition. Last evaluated: 2022-12-20. Review status: criteria provided, single submitter. Criteria: ACMG Guidelines, 2015. Collection method: clinical testing. Allele origin: germline.
Comment: The TNS2 c.1799G>A variant is predicted to result in the amino acid substitution p.Arg600His. To our knowledge, this variant has not been reported in the literature. This variant is reported in 0.010% of alleles in individuals of South Asian descent in gnomAD. At this time, the clinical significance of this variant is uncertain due to the absence of conclusive functional and genetic evidence.

NM_170754.4(TNS2):c.1769G>A (p.Arg590His)

Gene: TNS2 (tensin 2; plus strand). Cytogenetic location: 12q13.13.
Variant type: single nucleotide variant.
Coding change: c.1769G>A on transcript NM_170754.4 (MANE Select); coding-DNA position 1769, G replaced by A.
Protein change: p.Arg590His; replaces arginine 590 with histidine.
Molecular consequence: missense variant.
Genome position (GRCh38, 1-based): chr12:53,059,410, G>A. VCF-style: chr12-53059410-G-A. GRCh37 (hg19) VCF-style: chr12-53453194-G-A.
Other names: c.1769G>A, p.Arg590His (NM_001416202.1); c.1727G>A, p.Arg576His (NM_001416203.1); c.1796G>A, p.Arg599His (NM_001416204.1); c.1700G>A, p.Arg567His (NM_015319.3); c.1397G>A, p.Arg466His (NM_198316.2); short protein forms R466H, R567H, R576H, R590H, R599H.
Identifiers: ClinVar variation 2634518 (VCV002634518.4), dbSNP rs762371332, ClinGen allele CA6592447.